The following is an entry in ClinVar:

ClinVar aggregate classification (germline): Benign (1 of 4 stars; one submission).

Conditions:
Posterior polymorphous corneal dystrophy. Also called: CORNEAL DYSTROPHY, HEREDITARY POLYMORPHOUS POSTERIOR; Polymorphous corneal dystrophy. Identifiers: Orphanet 98973, MedGen C0339284, MONDO:0020364, HP:0007915.

Allele frequency attached by ClinVar (database versions not stated): gnomAD 0.01434 and 0.01546; 1000 Genomes Project 30x 0.01468; 1000 Genomes Project 0.01538; TOPMed 0.01688.

Submissions (2):

Illumina Laboratory Services, Illumina
Classification: Benign for Polymorphous corneal dystrophy. Last evaluated: 2018-01-13. Review status: criteria provided, single submitter. Criteria: ICSL Variant Classification Criteria 13 December 2019. Collection method: clinical testing. Allele origin: germline.
Comment: This variant was observed in the ICSL laboratory as part of a predisposition screen in an ostensibly healthy population. It had not been previously curated by ICSL or reported in the Human Gene Mutation Database (HGMD: prior to June 1st, 2018), and was therefore a candidate for classification through an automated scoring system. Utilizing variant allele frequency, disease prevalence and penetrance estimates, and inheritance mode, an automated score was calculated to assess if this variant is too frequent to cause the disease. Based on the score and internal cut-off values, a variant classified as benign is not then subjected to further curation. The score for this variant resulted in a classification of benign for this disease.

Dr. Peter K. Rogan Lab, Western University
No classification provided (evidence only). Condition: Thymoma. Review status: no classification provided. Collection method: in vitro. Allele origin: not applicable. Functional consequence: retained intron. Not counted in ClinVar's aggregate classification.

NM_014588.6(VSX1):c.*745G>A

Gene: VSX1 (visual system homeobox 1; minus strand). Cytogenetic location: 20p11.21.
Variant type: single nucleotide variant.
Coding change: c.*745G>A on transcript NM_014588.6 (MANE Select); 745 bases downstream of the stop codon, G replaced by A.
Molecular consequence: 3 prime UTR variant. On other transcripts: non-coding transcript variant (2), intron variant (2).
Genome position (GRCh38, 1-based): chr20:25,075,516, C>T on the plus strand (G>A on the coding strand, the complement: VSX1 is on the minus strand). VCF-style: chr20-25075516-C-T. GRCh37 (hg19) VCF-style: chr20-25056152-C-T.
Other names: NC_000020.10:g.25056152C>T; c.*745G>A (NM_001378633.1); c.627+3313G>A (NM_001256271.2); c.808+2169G>A (NM_001256272.2).
Identifiers: ClinVar variation 337945 (VCV000337945.6), dbSNP rs6050301, ClinGen allele CA10653014.